The following is an entry in ClinVar:

NM_001122769.3(LCA5):c.26G>A (p.Gly9Asp)

Gene: LCA5 (lebercilin LCA5; minus strand). Cytogenetic location: 6q14.1.
Variant type: single nucleotide variant.
Coding change: c.26G>A on transcript NM_001122769.3 (MANE Select); coding-DNA position 26, G replaced by A.
Protein change: p.Gly9Asp; replaces glycine 9 with aspartic acid.
Molecular consequence: missense variant.
Genome position (GRCh38, 1-based): chr6:79,518,869, C>T on the plus strand (G>A on the coding strand, the complement: LCA5 is on the minus strand). VCF-style: chr6-79518869-C-T. GRCh37 (hg19) VCF-style: chr6-80228586-C-T.
Other names: c.26G>A, p.Gly9Asp (NM_181714.4); short protein forms G9D.
Identifiers: ClinVar variation 843906 (VCV000843906.7), dbSNP rs137971422, ClinGen allele CA3901232.

ClinVar aggregate classification (germline): Uncertain significance. Review status: criteria provided, multiple submitters, no conflicts (2 of 4 stars). 2 submissions from 2 submitters: Uncertain significance (2). Last evaluated 2025-01-06.

Allele frequency attached by ClinVar (database versions not stated): ExAC 0.00001; gnomAD exomes 0.00001; gnomAD 0.00004 and 0.00005; TOPMed 0.00005; ESP Exome Variant Server 0.00015.
gnomAD v4.1: 9 of 1,613,932 alleles (0.00056%); highest among the groups gnomAD compares: African/African-American, 0.012%; no homozygotes.

Submissions (2):

Labcorp Genetics (formerly Invitae), Labcorp
Classification: Uncertain significance. Last evaluated: 2025-01-06. Review status: criteria provided, single submitter. Criteria: Invitae Variant Classification Sherloc (09022015). Collection method: clinical testing. Allele origin: germline.
Comment: This sequence change replaces glycine, which is neutral and non-polar, with aspartic acid, which is acidic and polar, at codon 9 of the LCA5 protein (p.Gly9Asp). This variant is present in population databases (rs137971422, gnomAD 0.01%). This variant has not been reported in the literature in individuals affected with LCA5-related conditions. ClinVar contains an entry for this variant (Variation ID: 843906). An algorithm developed to predict the effect of missense changes on protein structure and function outputs the following: PolyPhen-2: "Benign". The aspartic acid amino acid residue is found in multiple mammalian species, which suggests that this missense change does not adversely affect protein function. In summary, the available evidence is currently insufficient to determine the role of this variant in disease. Therefore, it has been classified as a Variant of Uncertain Significance.

Breakthrough Genomics
Classification: Uncertain significance. Review status: criteria provided, single submitter. Criteria: ACMG Guidelines, 2015. Collection method: not provided. Allele origin: germline. Inheritance: Autosomal recessive inheritance. Affected: yes.